The following is an entry in ClinVar:

ClinVar aggregate classification (germline): Uncertain significance. Review status: criteria provided, multiple submitters, no conflicts (2 of 4 stars). 2 submissions from 2 submitters: Uncertain significance (2). Last evaluated 2024-12-15.

Conditions:
Inborn genetic diseases. Identifiers: MedGen C0950123, MeSH D030342.

Allele frequency attached by ClinVar (database versions not stated): gnomAD 0.00001.
gnomAD v4.1: 3 of 1,614,042 alleles (0.00019%); highest among the groups gnomAD compares: Admixed American, 0.0033%; no homozygotes.

Submissions (2):

Ambry Genetics
Classification: Uncertain significance for Inborn genetic diseases. Last evaluated: 2024-12-15. Review status: criteria provided, single submitter. Criteria: Ambry Variant Classification Scheme 2023. Collection method: clinical testing. Allele origin: germline.

GeneDx
Classification: Uncertain significance. Last evaluated: 2019-11-01. Review status: criteria provided, single submitter. Criteria: GeneDx Variant Classification Process June 2021. Collection method: clinical testing. Allele origin: germline. Affected: yes.
Comment: Not observed in large population cohorts (Lek et al., 2016); In silico analysis, which includes protein predictors and evolutionary conservation, supports that this variant does not alter protein structure/function; Has not been previously published as pathogenic or benign to our knowledge

NM_003632.3(CNTNAP1):c.2399C>T (p.Pro800Leu)

Gene: CNTNAP1 (contactin associated protein 1; plus strand). Cytogenetic location: 17q21.2.
Variant type: single nucleotide variant.
Coding change: c.2399C>T on transcript NM_003632.3 (MANE Select); coding-DNA position 2399, C replaced by T.
Protein change: p.Pro800Leu; replaces proline 800 with leucine.
Molecular consequence: missense variant.
Genome position (GRCh38, 1-based): chr17:42,691,860, C>T. VCF-style: chr17-42691860-C-T. GRCh37 (hg19) VCF-style: chr17-40843878-C-T.
Other names: short protein forms P800L.
Identifiers: ClinVar variation 1309904 (VCV001309904.3), dbSNP rs1297158657, ClinGen allele CA399647682.